The following is an entry in ClinVar:

NM_153247.4(SLC29A4):c.487del (p.Asp163fs)

Gene: SLC29A4 (solute carrier family 29 member 4; plus strand). Cytogenetic location: 7p22.1.
Variant type: Deletion.
Coding change: c.487del on transcript NM_153247.4 (MANE Select); coding-DNA position 487, one base deleted (G; older notation c.487delG).
Protein change: p.Asp163fs; shifts the reading frame from aspartic acid 163.
Molecular consequence: frameshift variant.
Genome position (GRCh38, 1-based): chr7:5,291,764, G deleted; the last of 3 consecutive G bases (chr7:5,291,762-5,291,764); deleting any one gives the same sequence. VCF-style (leftmost placement, unchanged base first): chr7-5291761-CG-C. GRCh37 (hg19) VCF-style: chr7-5331392-CG-C.
Other names: c.487del, p.Asp163fs (NM_001040661.3); c.450del, p.Thr151fs (NM_001300847.3); short protein forms T151fs, D163fs.
Identifiers: ClinVar variation 4997349 (VCV004997349.1).

ClinVar aggregate classification (germline): Uncertain significance (1 of 4 stars; one submission).

Conditions:
SLC29A4-related disorder. Also called: SLC29A4-related condition.

Submission:

PreventionGenetics, part of Exact Sciences
Classification: Uncertain significance for SLC29A4-related condition. Last evaluated: 2025-03-26. Review status: criteria provided, single submitter. Criteria: ACMG Guidelines, 2015. Collection method: clinical testing. Allele origin: germline.
Comment: The SLC29A4 c.487delG variant is predicted to result in a frameshift and premature protein termination (p.Asp163Thrfs*40). To our knowledge, this variant has not been reported in the literature or in a large population database (gnomAD), indicating this variant is rare. At this time, the clinical significance of this variant is uncertain due to the absence of conclusive functional and genetic evidence.